The following is an entry in ClinVar:

ClinVar aggregate classification (germline): Uncertain significance (1 of 4 stars; one submission).

Allele frequency attached by ClinVar (database versions not stated): gnomAD exomes below 0.00001.
gnomAD v4.1: 2 of 1,210,240 alleles (0.00017%); highest among the groups gnomAD compares: Non-Finnish European, 0.00022%; no homozygotes.

Submission:

GeneDx
Classification: Uncertain significance. Last evaluated: 2017-02-22. Review status: criteria provided, single submitter. Criteria: GeneDx Variant Classification (06012015). Collection method: clinical testing. Allele origin: germline. Affected: yes.
Comment: The T628I variant has not been published as a pathogenic variant, nor has it been reported as a benign variant to our knowledge. The variant is not observed in large population cohorts (Lek et al., 2016; 1000 Genomes Consortium et al., 2015; Exome Variant Server). T628I is a non-conservative amino acid substitution, which is likely to impact secondary protein structure as these residues differ in polarity, charge, size and/or other properties. This substitution occurs at a position that is conserved in mammals; however, in silico analysis is inconsistent in its predictions as to whether or not the variant is damaging to the protein structure/function. In summary, based on the currently available information, it is unclear whether this variant is a pathogenic variant or a rare benign variant.

NM_000216.4(ANOS1):c.1883C>T (p.Thr628Ile)

Gene: ANOS1 (anosmin 1; minus strand). Cytogenetic location: Xp22.31.
Variant type: single nucleotide variant.
Coding change: c.1883C>T on transcript NM_000216.4 (MANE Select); coding-DNA position 1883, C replaced by T.
Protein change: p.Thr628Ile; replaces threonine 628 with isoleucine.
Molecular consequence: missense variant.
Genome position (GRCh38, 1-based): chrX:8,534,420, G>A on the plus strand (C>T on the coding strand, the complement: ANOS1 is on the minus strand). VCF-style: chrX-8534420-G-A. GRCh37 (hg19) VCF-style: chrX-8502461-G-A.
Other names: short protein forms T628I.
Identifiers: ClinVar variation 423915 (VCV000423915.2), dbSNP rs1064796699, ClinGen allele CA16621517.